The following is an entry in ClinVar:

ClinVar aggregate classification (germline): Likely benign. Review status: criteria provided, multiple submitters, no conflicts (2 of 4 stars). 4 submissions from 4 submitters: Likely benign (3). 1 of the submissions does not count toward it. Last evaluated 2025-05-21.

Conditions:
RAF1-related disorder. Also called: RAF1-related condition; RAF1-related disorders.
Cardiovascular phenotype. Identifiers: MedGen CN230736.
RASopathy. Also called: rasopathies; Noonan spectrum disorder. Identifiers: Orphanet 536391, MedGen C5555857, MONDO:0021060.

Allele frequency attached by ClinVar (database versions not stated): gnomAD exomes 0.00001 and 0.00003; TOPMed 0.00001; ExAC 0.00002; gnomAD 0.00001; 1000 Genomes Project 30x 0.00016; 1000 Genomes Project 0.00020.
gnomAD v4.1: 13 of 1,614,196 alleles (0.00081%); highest among the groups gnomAD compares: East Asian, 0.025%; no homozygotes.

Submissions (4):

Labcorp Genetics (formerly Invitae), Labcorp
Classification: Likely benign for RASopathy. Last evaluated: 2025-05-21. Review status: criteria provided, single submitter. Criteria: Invitae Variant Classification Sherloc (09022015). Collection method: clinical testing. Allele origin: germline.

Ambry Genetics
Classification: Likely benign for Cardiovascular phenotype. Last evaluated: 2021-05-19. Review status: criteria provided, single submitter. Criteria: Ambry Variant Classification Scheme 2023. Collection method: clinical testing. Allele origin: germline.

GeneDx
Classification: Likely benign. Last evaluated: 2020-01-15. Review status: criteria provided, single submitter. Criteria: GeneDx Variant Classification Process June 2021. Collection method: clinical testing. Allele origin: germline. Affected: yes.

PreventionGenetics, part of Exact Sciences
Classification: Likely benign for RAF1-related condition. Last evaluated: 2020-01-27. Review status: no assertion criteria provided. Collection method: clinical testing. Allele origin: germline. Not counted in ClinVar's aggregate classification.
Comment: This variant is classified as likely benign based on ACMG/AMP sequence variant interpretation guidelines (Richards et al. 2015 PMID: 25741868, with internal and published modifications).

NM_002880.4(RAF1):c.513A>G (p.Lys171=)

Gene: RAF1 (Raf-1 proto-oncogene, serine/threonine kinase; minus strand). Cytogenetic location: 3p25.2.
Variant type: single nucleotide variant.
Coding change: c.513A>G on transcript NM_002880.4 (MANE Select); coding-DNA position 513, A replaced by G.
Protein change: p.Lys171=; no amino-acid change (lysine 171 retained).
Molecular consequence: synonymous variant. On other transcripts: non-coding transcript variant (3).
Genome position (GRCh38, 1-based): chr3:12,608,834, T>C on the plus strand (A>G on the coding strand, the complement: RAF1 is on the minus strand). VCF-style: chr3-12608834-T-C. GRCh37 (hg19) VCF-style: chr3-12650333-T-C.
Other names: c.513A>G, p.Lys171= (NM_001354689.3, NM_001354690.3, NM_001354693.3); c.270A>G, p.Lys90= (NM_001354691.3, NM_001354692.3, NM_001354694.3 and 1 more transcripts).
Identifiers: ClinVar variation 544003 (VCV000544003.14), dbSNP rs561163045, ClinGen allele CA2259753.